The following is an entry in ClinVar:

ClinVar aggregate classification (germline): Uncertain significance (1 of 4 stars; one submission).

Conditions:
Hereditary cancer-predisposing syndrome. Also called: Neoplastic Syndromes, Hereditary; Tumor predisposition; Hereditary Cancer Syndrome; Hereditary neoplastic syndrome. Identifiers: Orphanet 140162, MedGen C0027672, MeSH D009386, MONDO:0015356.

gnomAD v4.1: 1 of 1,611,012 alleles (0.000062%); highest among the groups gnomAD compares: Non-Finnish European, 0.000085%; no homozygotes.

Submission:

Ambry Genetics
Classification: Uncertain significance for Hereditary cancer-predisposing syndrome. Last evaluated: 2025-10-26. Review status: criteria provided, single submitter. Criteria: Ambry Variant Classification Scheme 2023. Collection method: clinical testing. Allele origin: germline.
Comment: The p.E930G variant (also known as c.2789A>G), located in coding exon 20 of the KIT gene, results from an A to G substitution at nucleotide position 2789. The glutamic acid at codon 930 is replaced by glycine, an amino acid with similar properties. This amino acid position is conserved. In addition, this alteration is predicted to be tolerated by in silico analysis. Based on the available evidence, the clinical significance of this variant remains unclear.

NM_000222.3(KIT):c.2789A>G (p.Glu930Gly)

Gene: KIT (KIT proto-oncogene, receptor tyrosine kinase; plus strand). Cytogenetic location: 4q12.
Variant type: single nucleotide variant.
Coding change: c.2789A>G on transcript NM_000222.3 (MANE Select); coding-DNA position 2789, A replaced by G.
Protein change: p.Glu930Gly; replaces glutamic acid 930 with glycine.
Molecular consequence: missense variant.
Genome position (GRCh38, 1-based): chr4:54,737,267, A>G. VCF-style: chr4-54737267-A-G. GRCh37 (hg19) VCF-style: chr4-55603433-A-G.
Other names: c.2777A>G, p.Glu926Gly (NM_001093772.2, NM_001385292.1); c.2792A>G, p.Glu931Gly (NM_001385284.1); c.2786A>G, p.Glu929Gly (NM_001385285.1); c.2774A>G, p.Glu925Gly (NM_001385286.1); c.2780A>G, p.Glu927Gly (NM_001385288.1); c.2789A>G, p.Glu930Gly (NM_001385290.1); short protein forms E925G, E926G, E927G, E930G, E931G, E929G.
Identifiers: ClinVar variation 4644648 (VCV004644648.1).
Genomic context (GRCh38, chr4:54,737,267, plus strand): 5'-ATCCCCTAAAAAGACCAACATTCAAGCAAATTGTTCAGCTAATTGAGAAGCAGATTTCAG[A>G]GAGCACCAATCATGTGAGTATACCCTGGCCAGGCATAGAATCCCCCTTCTCCCAGTTCCA-3'
Protein context (NP_000213.1, residues 920-940): IVQLIEKQIS[Glu930Gly]STNHIYSNLA